The following is an entry in ClinVar:

NM_000059.4(BRCA2):c.6938-3T>C

Gene: BRCA2 (BRCA2 DNA repair associated; plus strand). Cytogenetic location: 13q13.1.
Variant type: single nucleotide variant.
Coding change: c.6938-3T>C on transcript NM_000059.4 (MANE Select); 3 bases into the intron before coding-DNA position 6938, T replaced by C.
Molecular consequence: intron variant.
Genome position (GRCh38, 1-based): chr13:32,346,824, T>C. VCF-style: chr13-32346824-T-C. GRCh37 (hg19) VCF-style: chr13-32920961-T-C.
Identifiers: ClinVar variation 441522 (VCV000441522.19), dbSNP rs1400188645, ClinGen allele CA609087123.

ClinVar aggregate classification (germline): Benign/Likely benign. Review status: criteria provided, multiple submitters, no conflicts (2 of 4 stars). 6 submissions from 6 submitters: Benign (1); Likely benign (5). Last evaluated 2026-08-03.

Conditions:
Hereditary breast ovarian cancer syndrome. Also called: Breast and ovarian cancer; Hereditary breast and ovarian cancer syndrome (HBOC); Hereditary breast and ovarian cancer syndrome; Hereditary breast and/or ovarian cancer syndrome; BRCA1- and BRCA2-Associated Hereditary Breast and Ovarian Cancer; Hereditary breast and ovarian cancer. Identifiers: Orphanet 145, MedGen C0677776, MeSH D061325, MONDO:0003582. Disease mechanism: loss of function.
Hereditary cancer-predisposing syndrome. Also called: Hereditary Cancer Syndrome; Hereditary neoplastic syndrome; Neoplastic Syndromes, Hereditary; Tumor predisposition. Identifiers: Orphanet 140162, MedGen C0027672, MeSH D009386, MONDO:0015356.
Breast-ovarian cancer, familial, susceptibility to, 2 (BROVCA2). Also called: BRCA2 Hereditary Breast and Ovarian Cancer. Identifiers: Orphanet 145, MedGen C2675520, MONDO:0012933, OMIM 612555. Disease mechanism: loss of function.

gnomAD v4.1: 3 of 1,603,126 alleles (0.00019%); highest among the groups gnomAD compares: Non-Finnish European, 0.00026%; no homozygotes.

Submissions (6):

Myriad Genetics, Inc.
Classification: Benign for Breast-ovarian cancer, familial, susceptibility to, 2. Last evaluated: 2026-08-03. Review status: criteria provided, single submitter. Criteria: Myriad Autosomal Dominant, Autosomal Recessive and X-Linked Classification Criteria (2023). Collection method: clinical testing. Allele origin: unknown.
Comment: This variant is considered benign. This variant is intronic and is not expected to impact mRNA splicing. This variant is strongly associated with less severe personal and family histories of cancer, typical for individuals without pathogenic variants in this gene [PMID: 25085752].

Labcorp Genetics (formerly Invitae), Labcorp
Classification: Likely benign for Hereditary breast ovarian cancer syndrome. Last evaluated: 2025-08-02. Review status: criteria provided, single submitter. Criteria: Invitae Variant Classification Sherloc (09022015). Collection method: clinical testing. Allele origin: germline.

All of Us Research Program, National Institutes of Health
Classification: Likely benign for Breast-ovarian cancer, familial, susceptibility to, 2. Last evaluated: 2023-08-15. Review status: criteria provided, single submitter. Criteria: ACMG Guidelines, 2015. Collection method: clinical testing. Allele origin: germline. Inheritance: Autosomal dominant inheritance. Observed: 1 variant allele, 1 heterozygote.
Comment: This study involves interpretation of variants in research participants for the purpose of population health screening. Participant phenotype was not available at the time of variant classification. Additional details can be found in publication PMID: 35346344, PMCID: PMC8962531

Color Diagnostics, LLC DBA Color Health
Classification: Likely benign for Hereditary cancer-predisposing syndrome. Last evaluated: 2023-08-11. Review status: criteria provided, single submitter. Criteria: ACMG Guidelines, 2015. Collection method: clinical testing. Allele origin: germline.

Women's Health and Genetics/Laboratory Corporation of America, LabCorp
Classification: Likely benign. Last evaluated: 2019-07-01. Review status: criteria provided, single submitter. Criteria: LabCorp Variant Classification Summary - May 2015. Collection method: clinical testing. Allele origin: germline.
Comment: Variant summary: BRCA2 c.6938-3T>C alters a non-conserved nucleotide located close to a canonical splice site and therefore could affect mRNA splicing, leading to a significantly altered protein sequence. 5/5 computational tools predict no significant impact on normal splice sites, however Alamut software does predict the creation of two exonic splicing enhancer (ESE) sites. Analysis of mRNA and protein isolated from lymphocytes from an individual with the variant indicated that the variant does not impact splicing or protein expression (Brandao_2011). The variant allele was found at a frequency of 4e-06 in 249074 control chromosomes. The available data on variant occurrences in the general population are insufficient to allow any conclusion about variant significance. c.6938-3T>C has been reported in the literature in individuals affected with Hereditary Breast and Ovarian Cancer (Brandao_2011). This report does not provide unequivocal conclusions about association of the variant with Hereditary Breast and Ovarian Cancer. To our knowledge, no experimental evidence demonstrating an impact on protein function has been reported. One clinical diagnostic laboratory has submitted clinical-significance assessments for this variant to ClinVar after 2014 without evidence for independent evaluation and classified the variant as likely benign. Based on the evidence outlined above, the variant was classified as likely benign.

Ambry Genetics
Classification: Likely benign for Hereditary cancer-predisposing syndrome. Last evaluated: 2019-02-16. Review status: criteria provided, single submitter. Criteria: Ambry Variant Classification Scheme 2023. Collection method: clinical testing. Allele origin: germline.

Literature cited by the submitters: PubMed 25085752 (cited by Myriad Genetics, Inc.); PubMed 21638052 (cited by Women's Health and Genetics/Laboratory Corporation of America, LabCorp and Ambry Genetics); PubMed 29750258 (cited by Women's Health and Genetics/Laboratory Corporation of America, LabCorp).